The following is an entry in ClinVar:

NM_000027.4(AGA):c.301G>A (p.Ala101Thr)

Gene: AGA (aspartylglucosaminidase; minus strand). Cytogenetic location: 4q34.3.
Variant type: single nucleotide variant.
Coding change: c.301G>A on transcript NM_000027.4 (MANE Select); coding-DNA position 301, G replaced by A.
Protein change: p.Ala101Thr; replaces alanine 101 with threonine.
Molecular consequence: missense variant. On other transcripts: non-coding transcript variant (1).
Genome position (GRCh38, 1-based): chr4:177,439,669, C>T on the plus strand (G>A on the coding strand, the complement: AGA is on the minus strand). VCF-style: chr4-177439669-C-T. GRCh37 (hg19) VCF-style: chr4-178360823-C-T.
Other names: c.301G>A, p.Ala101Thr (NM_001171988.2); short protein forms A101T.
Identifiers: ClinVar variation 1495375 (VCV001495375.8), dbSNP rs752914246, ClinGen allele CA3146957.
Genomic context (GRCh38, chr4:177,439,669, plus strand): 5'-GTTCCAGTACTTTCCGTGCCACACCAATAGCATTTTTAATTCGTCTGAGATCTCCTACTG[C>T]TCCTACATCCATAGTAGTGCTGCAAGAAAATAGAATGCAGTTAGGAATTAAGGAGTTTTC-3'
Protein context (NP_000018.2, residues 91-111): IMDGTTMDVG[Ala101Thr]VGDLRRIKNA

ClinVar aggregate classification (germline): Conflicting classifications of pathogenicity. Review status: criteria provided, conflicting classifications (1 of 4 stars). 2 submissions from 2 submitters: Likely pathogenic (1); Uncertain significance (1). Last evaluated 2025-06-24.

Conditions:
Aspartylglucosaminuria (AGU). Also called: AGA DEFICIENCY; GLYCOASPARAGINASE; GLYCOSYLASPARAGINASE DEFICIENCY; Aspartylglucos-aminuria; Aspartylglucos-amidase (AGA) deficiency. Identifiers: Orphanet 93, MedGen C0268225, MONDO:0008830, OMIM 208400, HP:0012068.

Allele frequency attached by ClinVar (database versions not stated): gnomAD exomes below 0.00001; ExAC 0.00001; gnomAD 0.00001; TOPMed 0.00001.
gnomAD v4.1: 3 of 1,609,528 alleles (0.00019%); highest among the groups gnomAD compares: African/African-American, 0.0027%; no homozygotes.

Submissions (2):

Women's Health and Genetics/Laboratory Corporation of America, LabCorp
Classification: Uncertain significance. Last evaluated: 2025-06-24. Review status: criteria provided, single submitter. Criteria: LabCorp Variant Classification Summary - May 2015. Collection method: clinical testing. Allele origin: germline.
Comment: Variant summary: AGA c.301G>A (p.Ala101Thr) results in a non-conservative amino acid change in the encoded protein sequence. Algorithms developed to predict the effect of missense changes on protein structure and function all suggest that this variant is likely to be disruptive. The variant allele was found at a frequency of 4e-06 in 251382 control chromosomes. The available data on variant occurrences in the general population are insufficient to allow any conclusion about variant significance. To our knowledge, no occurrence of c.301G>A in individuals affected with Aspartylglucosaminuria and no experimental evidence demonstrating its impact on protein function have been reported. A different variant affecting the same codon has been classified as pathogenic by our lab (c.302C>T, p.Ala101Val), supporting the critical relevance of codon 101 to AGA protein function. ClinVar contains an entry for this variant (Variation ID: 1495375). Based on the evidence outlined above, the variant was classified as uncertain significance.

Labcorp Genetics (formerly Invitae), Labcorp
Classification: Likely pathogenic for Aspartylglucosaminuria. Last evaluated: 2021-08-11. Review status: criteria provided, single submitter. Criteria: Invitae Variant Classification Sherloc (09022015). Collection method: clinical testing. Allele origin: germline.
Comment: Advanced modeling of protein sequence and biophysical properties (such as structural, functional, and spatial information, amino acid conservation, physicochemical variation, residue mobility, and thermodynamic stability) performed at Invitae indicates that this missense variant is expected to disrupt AGA protein function. This variant has not been reported in the literature in individuals affected with AGA-related conditions. This variant is present in population databases (rs752914246, ExAC 0.01%). This sequence change replaces alanine with threonine at codon 101 of the AGA protein (p.Ala101Thr). The alanine residue is highly conserved and there is a small physicochemical difference between alanine and threonine. In summary, the currently available evidence indicates that the variant is pathogenic, but additional data are needed to prove that conclusively. Therefore, this variant has been classified as Likely Pathogenic. This variant disrupts the p.Ala101 amino acid residue in AGA. Other variant(s) that disrupt this residue have been determined to be pathogenic (PMID: 1722323, 10571008). This suggests that this residue is clinically significant, and that variants that disrupt this residue are likely to be disease-causing.

Literature cited by the submitters: PubMed 1722323 (cited by Labcorp Genetics (formerly Invitae), Labcorp); PubMed 10571008 (cited by Labcorp Genetics (formerly Invitae), Labcorp).